The following is an entry in ClinVar:

NM_001378418.1(TCF20):c.5777C>T (p.Ser1926Leu)

Gene: TCF20 (transcription factor 20; minus strand). Cytogenetic location: 22q13.2.
Variant type: single nucleotide variant.
Coding change: c.5777C>T on transcript NM_001378418.1 (MANE Select); coding-DNA position 5777, C replaced by T.
Protein change: p.Ser1926Leu; replaces serine 1926 with leucine.
Molecular consequence: missense variant.
Genome position (GRCh38, 1-based): chr22:42,169,869, G>A on the plus strand (C>T on the coding strand, the complement: TCF20 is on the minus strand). VCF-style: chr22-42169869-G-A. GRCh37 (hg19) VCF-style: chr22-42565875-G-A.
Other names: c.5777C>T, p.Ser1926Leu (NM_005650.4, NM_181492.3); short protein forms S1926L.
Identifiers: ClinVar variation 3622811 (VCV003622811.2).

ClinVar aggregate classification (germline): Uncertain significance (1 of 4 stars; one submission).

gnomAD v4.1: 4 of 1,613,206 alleles (0.00025%); highest among the groups gnomAD compares: Admixed American, 0.0017%; no homozygotes.

Submission:

Labcorp Genetics (formerly Invitae), Labcorp
Classification: Uncertain significance. Last evaluated: 2024-11-15. Review status: criteria provided, single submitter. Criteria: Invitae Variant Classification Sherloc (09022015). Collection method: clinical testing. Allele origin: germline.
Comment: This sequence change replaces serine, which is neutral and polar, with leucine, which is neutral and non-polar, at codon 1926 of the TCF20 protein (p.Ser1926Leu). This variant is present in population databases (rs770391040, gnomAD 0.0009%). This variant has not been reported in the literature in individuals affected with TCF20-related conditions. An algorithm developed to predict the effect of missense changes on protein structure and function (PolyPhen-2) suggests that this variant is likely to be disruptive. In summary, the available evidence is currently insufficient to determine the role of this variant in disease. Therefore, it has been classified as a Variant of Uncertain Significance.